The following is an entry in ClinVar:

ClinVar aggregate classification (germline): Benign/Likely benign. Review status: criteria provided, multiple submitters, no conflicts (2 of 4 stars). 2 submissions from 2 submitters: Benign (1); Likely benign (1). Last evaluated 2026-07-01.

Conditions:
Pan-Chung-Bellen syndrome. Identifiers: MedGen C5975547, MONDO:0975953, OMIM 621049.

gnomAD v4.1: 4,674 of 1,591,096 alleles (0.29%); highest among the groups gnomAD compares: Non-Finnish European, 0.36%; 10 homozygotes.

Submissions (2):

CeGaT Center for Human Genetics Tuebingen
Classification: Likely benign. Last evaluated: 2026-07-01. Review status: criteria provided, single submitter. Criteria: CeGaT Center For Human Genetics Tuebingen Variant Classification Criteria Version 2. Collection method: clinical testing. Allele origin: germline. Affected: yes. Observed: 1 variant allele.
Comment: FRYL: BS1

Center for Human Genetics and Genomic Medicine, Uniklinik Rwth Aachen
Classification: Benign for Pan-Chung-Bellen syndrome. Last evaluated: 2026-03-24. Review status: criteria provided, single submitter. Criteria: ACMG Guidelines, 2015. Collection method: clinical testing. Allele origin: germline. Affected: no. Observed: 22 variant alleles.
Comment: Variant was observed in 22 individuals without PCBS. Variant is listed 4356 in gnomAD; 10 homozygous individuals

NM_015030.2(FRYL):c.3853G>A (p.Ala1285Thr)

Gene: FRYL (FRY like transcription coactivator; minus strand). Cytogenetic location: 4p11.
Variant type: single nucleotide variant.
Coding change: c.3853G>A on transcript NM_015030.2 (MANE Select); coding-DNA position 3853, G replaced by A.
Protein change: p.Ala1285Thr; replaces alanine 1285 with threonine.
Molecular consequence: missense variant.
Genome position (GRCh38, 1-based): chr4:48,561,480, C>T on the plus strand (G>A on the coding strand, the complement: FRYL is on the minus strand). VCF-style: chr4-48561480-C-T. GRCh37 (hg19) VCF-style: chr4-48563497-C-T.
Other names: short protein forms A1285T.
Identifiers: ClinVar variation 4819694 (VCV004819694.2).
Genomic context (GRCh38, chr4:48,561,480, plus strand): 5'-AAGAAATGATTGACAAATAGAAACTACTAACCAGTTCATTGATCATACCTGAGAATATGG[C>T]GAGAGTTAGCTCAGGATACGCCCTTGCTAGTTCCTCGGACAACTGATAATATGAAACAGA-3'
Protein context (NP_055845.1, residues 1275-1295): LARAYPELTL[Ala1285Thr]IFSEISQRIQ